The following is an entry in ClinVar:

NM_024664.4(PPCS):c.19G>A (p.Val7Ile)

Genes: CCDC30 (coiled-coil domain containing 30; plus strand), PPCS (phosphopantothenoylcysteine synthetase; plus strand). Cytogenetic location: 1p34.2.
Variant type: single nucleotide variant.
Coding change: c.19G>A on transcript NM_024664.4 (MANE Select); coding-DNA position 19, G replaced by A.
Protein change: p.Val7Ile; replaces valine 7 with isoleucine.
Molecular consequence: missense variant. On other transcripts: 5 prime UTR variant (3), intron variant (3), splice donor variant (1).
Genome position (GRCh38, 1-based): chr1:42,456,584, G>A. VCF-style: chr1-42456584-G-A. GRCh37 (hg19) VCF-style: chr1-42922255-G-A.
Other names: c.-56G>A (NM_001077447.3); c.-152G>A (NM_001287508.2); c.-674G>A (NM_001287510.2); c.19G>A, p.Val7Ile (NM_001287511.2); c.-984+85G>A (NM_001355226.2); c.-328+85G>A (NM_001287507.1); c.-12+85G>A (NM_001287506.1); c.-12+1G>A (NM_001287509.2); short protein forms V7I.
Identifiers: ClinVar variation 2117857 (VCV002117857.1), dbSNP rs940807397, ClinGen allele CA21216665.
Genomic context (GRCh38, chr1:42,456,584, plus strand): 5'-GCGGCCGCGAAACGTGCGCAGGCGCCGGCCGCTGCGCTGCAGATGGCGGAAATGGATCCG[G>A]TAGCCGAGTTCCCCCAGCCTCCCGGTGCTGCGCGCTGGGCTGAGGTTATGGCTCGCTTCG-3'
Protein context (NP_078940.2, residues 1-17): MAEMDP[Val7Ile]AEFPQPPGAA

ClinVar aggregate classification (germline): Uncertain significance (1 of 4 stars; one submission).

gnomAD v4.1: 3 of 1,494,448 alleles (0.0002%); highest among the groups gnomAD compares: African/African-American, 0.0042%; no homozygotes.

Submission:

Labcorp Genetics (formerly Invitae), Labcorp
Classification: Uncertain significance. Last evaluated: 2022-03-26. Review status: criteria provided, single submitter. Criteria: Invitae Variant Classification Sherloc (09022015). Collection method: clinical testing. Allele origin: germline.
Comment: This sequence change replaces valine, which is neutral and non-polar, with isoleucine, which is neutral and non-polar, at codon 7 of the PPCS protein (p.Val7Ile). This variant is not present in population databases (gnomAD no frequency). This variant has not been reported in the literature in individuals affected with PPCS-related conditions. Algorithms developed to predict the effect of missense changes on protein structure and function (SIFT, PolyPhen-2, Align-GVGD) all suggest that this variant is likely to be tolerated. In summary, the available evidence is currently insufficient to determine the role of this variant in disease. Therefore, it has been classified as a Variant of Uncertain Significance.